The following is an entry in ClinVar:

ClinVar aggregate classification (germline): Conflicting classifications of pathogenicity. Review status: criteria provided, conflicting classifications (1 of 4 stars). 3 submissions from 3 submitters: Uncertain significance (1); Likely benign (2). Last evaluated 2026-01-18.

Conditions:
Hereditary cancer-predisposing syndrome. Also called: Tumor predisposition; Hereditary neoplastic syndrome; Neoplastic Syndromes, Hereditary; Hereditary Cancer Syndrome. Identifiers: Orphanet 140162, MedGen C0027672, MeSH D009386, MONDO:0015356.
Ataxia-telangiectasia syndrome (AT). Also called: Ataxia-telangiectasia, complementation group D; AT, COMPLEMENTATION GROUP C; ATAXIA-TELANGIECTASIA, COMPLEMENTATION GROUP A; ATAXIA-TELANGIECTASIA, FRESNO VARIANT; Ataxia-telangiectasia; LOUIS-BAR SYNDROME. Identifiers: Orphanet 100, MedGen C0004135, MONDO:0008840, OMIM 208900.

Submissions (3):

Labcorp Genetics (formerly Invitae), Labcorp
Classification: Likely benign for Ataxia-telangiectasia syndrome. Last evaluated: 2026-01-18. Review status: criteria provided, single submitter. Criteria: Invitae Variant Classification Sherloc (09022015). Collection method: clinical testing. Allele origin: germline.

Color Diagnostics, LLC DBA Color Health
Classification: Likely benign for Hereditary cancer-predisposing syndrome. Last evaluated: 2024-07-15. Review status: criteria provided, single submitter. Criteria: ACMG Guidelines, 2015. Collection method: clinical testing. Allele origin: germline.

GeneDx
Classification: Uncertain significance. Last evaluated: 2021-07-26. Review status: criteria provided, single submitter. Criteria: GeneDx Variant Classification Process June 2021. Collection method: clinical testing. Allele origin: germline. Affected: yes.
Comment: Not observed at significant frequency in large population cohorts (Lek 2016); In silico analysis supports a deleterious effect on splicing; Has not been previously published as pathogenic or benign to our knowledge

NM_000051.4(ATM):c.8851-10_8851-7del

Genes: ATM (ATM serine/threonine kinase; plus strand), C11orf65 (chromosome 11 open reading frame 65; minus strand). Cytogenetic location: 11q22.3.
Variant type: Microsatellite.
Coding change: c.8851-10_8851-7del on transcript NM_000051.4 (MANE Select); 10 bases into the intron before coding-DNA position 8851 through 7 bases into the intron before coding-DNA position 8851, 4 bases deleted (CTCT; older notation c.8851-10_8851-7delCTCT).
Molecular consequence: intron variant.
Genome position (GRCh38, 1-based): chr11:108,365,072-108,365,075, CTCT deleted; deleting any 4 consecutive bases within chr11:108,365,069-108,365,075 gives the same sequence; the c. name uses the placement nearest the transcript's 3' end. VCF-style (leftmost placement, unchanged base first): chr11-108365068-TTCTC-T. GRCh37 (hg19) VCF-style: chr11-108235795-TTCTC-T.
Other names: c.8851-10_8851-7del (NM_001351834.2); c.640+20848_640+20851del (NM_001330368.2); c.694+20848_694+20851del (NM_001351110.2); c.8851-10_8851-7delCTCT (NM_000051.3).
Identifiers: ClinVar variation 662268 (VCV000662268.10), dbSNP rs1591384042, ClinGen allele CA915947674.